The following is an entry in ClinVar:

NM_001148.6(ANK2):c.1913A>C (p.Lys638Thr)

Gene: ANK2 (ankyrin 2; plus strand). Cytogenetic location: 4q26.
Variant type: single nucleotide variant.
Coding change: c.1913A>C on transcript NM_001148.6 (MANE Select); coding-DNA position 1913, A replaced by C.
Protein change: p.Lys638Thr; replaces lysine 638 with threonine.
Molecular consequence: missense variant.
Genome position (GRCh38, 1-based): chr4:113,282,706, A>C. VCF-style: chr4-113282706-A-C. GRCh37 (hg19) VCF-style: chr4-114203862-A-C.
Other names: c.1850A>C, p.Lys617Thr (NM_001127493.3, NM_001354239.2, NM_001354243.2 and 10 more transcripts); c.1913A>C, p.Lys638Thr (NM_001354225.2, NM_001354228.2, NM_001354232.2 and 6 more transcripts); c.1958A>C, p.Lys653Thr (NM_001354230.2, NM_001354231.2, NM_001354237.2 and 5 more transcripts); c.1814A>C, p.Lys605Thr (NM_001354245.2, NM_001354268.2); c.1826A>C, p.Lys609Thr (NM_001354249.2, NM_001354264.2, NM_001354266.2 and 10 more transcripts); c.1751A>C, p.Lys584Thr (NM_001354253.2, NM_001354257.2, NM_001354270.2 and 1 more transcripts); c.1727A>C, p.Lys576Thr (NM_001354260.2, NM_001354271.2, NM_001386151.1); c.1871A>C, p.Lys624Thr (NM_001354261.2, NM_001386147.1, NM_001386160.1); and 8 more; short protein forms K543T, K624T, K647T, K655T, K584T, K634T, K653T, K510T.
Identifiers: ClinVar variation 3295065 (VCV003295065.1).

ClinVar aggregate classification (germline): Uncertain significance (1 of 4 stars; one submission).

Conditions:
Cardiovascular phenotype. Identifiers: MedGen CN230736.

Submission:

Ambry Genetics
Classification: Uncertain significance for Cardiovascular phenotype. Last evaluated: 2024-05-30. Review status: criteria provided, single submitter. Criteria: Ambry Variant Classification Scheme 2023. Collection method: clinical testing. Allele origin: germline.
Comment: The p.K638T variant (also known as c.1913A>C), located in coding exon 18 of the ANK2 gene, results from an A to C substitution at nucleotide position 1913. The lysine at codon 638 is replaced by threonine, an amino acid with similar properties. This amino acid position is conserved. In addition, the in silico prediction for this alteration is inconclusive. Based on the available evidence, the clinical significance of this variant remains unclear.